The following is an entry in ClinVar:

NM_172362.3(KCNH1):c.80-7_80-6dup

Gene: KCNH1 (potassium voltage-gated channel subfamily H member 1; minus strand). Cytogenetic location: 1q32.2.
Variant type: Duplication.
Coding change: c.80-7_80-6dup on transcript NM_172362.3 (MANE Select); 7 bases into the intron before coding-DNA position 80 through 6 bases into the intron before coding-DNA position 80, 2 bases duplicated (TT; older notation c.80-7_80-6dupTT).
Molecular consequence: intron variant.
Genome position (GRCh38, 1-based): chr1:211,107,383-211,107,384, AA duplicated on the plus strand (TT on the coding strand, the reverse complement: KCNH1 is on the minus strand); duplicating any 2 consecutive bases within chr1:211,107,383-211,107,396 gives the same sequence; the c. name uses the placement nearest the transcript's 3' end. VCF-style (leftmost placement, unchanged base first): chr1-211107382-T-TAA. GRCh37 (hg19) VCF-style: chr1-211280724-T-TAA.
Other names: c.80-7_80-6dup (NM_002238.4).
Identifiers: ClinVar variation 3042991 (VCV003042991.3), dbSNP rs56223346, ClinGen allele CA1380109.
Genomic context (GRCh38, chr1:211,107,382, plus strand): 5'-GCTGTACACAATAGGCCAGTCCACTATCTGAGCATTCCCCAACACAAAATTAGTATCTGT[T>TAA]AAAAAAAAAAAAAAGGGAAAAAAGGGCACATGAGGCAACACATTAGTTGAGATTCAATGA-3'

ClinVar aggregate classification (germline): Likely benign. Review status: criteria provided, single submitter (1 of 4 stars). 2 submissions from 2 submitters: Likely benign (1). 1 of the submissions does not count toward it. Last evaluated 2024-07-23.

Conditions:
KCNH1-related disorder. Also called: KCNH1-related disorders; KCNH1-related condition.

Submissions (2):

Blueprint Genetics
Classification: Likely benign. Last evaluated: 2024-07-23. Review status: criteria provided, single submitter. Criteria: ACMG Guidelines, 2015. Collection method: clinical testing. Allele origin: germline.

PreventionGenetics, part of Exact Sciences
Classification: Benign for KCNH1-related condition. Last evaluated: 2019-10-28. Review status: no assertion criteria provided. Collection method: clinical testing. Allele origin: germline. Not counted in ClinVar's aggregate classification.
Comment: This variant is classified as benign based on ACMG/AMP sequence variant interpretation guidelines (Richards et al. 2015 PMID: 25741868, with internal and published modifications).